The following is an entry in ClinVar:

ClinVar aggregate classification (germline): Uncertain significance (1 of 4 stars; one submission).

Submission:

Labcorp Genetics (formerly Invitae), Labcorp
Classification: Uncertain significance. Last evaluated: 2025-06-15. Review status: criteria provided, single submitter. Criteria: Invitae Variant Classification Sherloc (09022015). Collection method: clinical testing. Allele origin: germline.
Comment: This sequence change replaces lysine, which is basic and polar, with asparagine, which is neutral and polar, at codon 109 of the POLA1 protein (p.Lys109Asn). This variant is not present in population databases (gnomAD no frequency). This variant has not been reported in the literature in individuals affected with POLA1-related conditions. An algorithm developed to predict the effect of missense changes on protein structure and function (PolyPhen-2) suggests that this variant is likely to be tolerated. In summary, the available evidence is currently insufficient to determine the role of this variant in disease. Therefore, it has been classified as a Variant of Uncertain Significance.

NM_001330360.2(POLA1):c.345A>C (p.Lys115Asn)

Gene: POLA1 (DNA polymerase alpha 1, catalytic subunit; plus strand). Cytogenetic location: Xp22.11.
Variant type: single nucleotide variant.
Coding change: c.345A>C on transcript NM_001330360.2 (MANE Select); coding-DNA position 345, A replaced by C.
Protein change: p.Lys115Asn; replaces lysine 115 with asparagine.
Molecular consequence: missense variant. On other transcripts: non-coding transcript variant (2).
Genome position (GRCh38, 1-based): chrX:24,704,468, A>C. VCF-style: chrX-24704468-A-C. GRCh37 (hg19) VCF-style: chrX-24722585-A-C.
Other names: c.345A>C, p.Lys115Asn (NM_001378303.1, NM_001440806.1); c.327A>C, p.Lys109Asn (NM_016937.4); short protein forms K109N, K115N.
Identifiers: ClinVar variation 4721507 (VCV004721507.1).